The following is an entry in ClinVar:

ClinVar aggregate classification (germline): Pathogenic/Likely pathogenic. Review status: criteria provided, multiple submitters, no conflicts (2 of 4 stars). 2 submissions from 2 submitters: Pathogenic (1); Likely pathogenic (1). Last evaluated 2024-07-22.

Conditions:
Pyknodysostosis. Also called: Pycnodysostosis. Identifiers: Orphanet 763, MedGen C0238402, MONDO:0009940, OMIM 265800.

Allele frequency attached by ClinVar (database versions not stated): gnomAD exomes 0.00001.

Submissions (2):

Natera, Inc.
Classification: Likely pathogenic for Pyknodysostosis. Last evaluated: 2024-07-22. Review status: criteria provided, single submitter. Criteria: Natera Variant Classification Schema (03/2026). Collection method: clinical testing. Allele origin: germline.
Comment: The c.419G>A variant in CTSK is a nonsense variant predicted to introduce a stop codon at amino acid 140. This variant is expected to result in nonsense mediated decay, truncation, or a dysfunctional protein product. This variant is rare in the general population with a frequency below the threshold expected for the associated phenotype(s). Given the available evidence, this variant is classified as Likely Pathogenic.

Labcorp Genetics (formerly Invitae), Labcorp
Classification: Pathogenic. Last evaluated: 2023-12-01. Review status: criteria provided, single submitter. Criteria: Invitae Variant Classification Sherloc (09022015). Collection method: clinical testing. Allele origin: germline.
Comment: This sequence change creates a premature translational stop signal (p.Trp140*) in the CTSK gene. It is expected to result in an absent or disrupted protein product. Loss-of-function variants in CTSK are known to be pathogenic (PMID: 12125807, 21569238). This variant is not present in population databases (gnomAD no frequency). This variant has not been reported in the literature in individuals affected with CTSK-related conditions. ClinVar contains an entry for this variant (Variation ID: 1076504). For these reasons, this variant has been classified as Pathogenic.

Literature cited by the submitters: PubMed 12125807 (cited by Labcorp Genetics (formerly Invitae), Labcorp); PubMed 21569238 (cited by Labcorp Genetics (formerly Invitae), Labcorp).

NM_000396.4(CTSK):c.419G>A (p.Trp140Ter)

Gene: CTSK (cathepsin K; minus strand). Cytogenetic location: 1q21.3.
Variant type: single nucleotide variant.
Coding change: c.419G>A on transcript NM_000396.4 (MANE Select); coding-DNA position 419, G replaced by A.
Protein change: p.Trp140Ter; replaces tryptophan 140 with a stop codon.
Molecular consequence: nonsense.
Genome position (GRCh38, 1-based): chr1:150,804,220, C>T on the plus strand (G>A on the coding strand, the complement: CTSK is on the minus strand). VCF-style: chr1-150804220-C-T. GRCh37 (hg19) VCF-style: chr1-150776696-C-T.
Other names: c.419G>A (NM_000396.3); short protein forms W140*.
Identifiers: ClinVar variation 1076504 (VCV001076504.10), dbSNP rs2101951671, ClinGen allele CA342336763.
Genomic context (GRCh38, chr1:150,804,220, plus strand): 5'-AAGAGTTTGCCAGTTTTCTTCTTGAGTTGGCCCTCCAGGGCACCCACAGAGCTAAAAGCC[C>T]AACAGGAACCACACTGACCCTGAAAGGCATACAGAGAAACTATCAATCTTTGCTGTTTAC-3'